The following is an entry in ClinVar:

ClinVar aggregate classification (germline): Uncertain significance. Review status: criteria provided, multiple submitters, no conflicts (2 of 4 stars). 2 submissions from 2 submitters: Uncertain significance (2). Last evaluated 2024-12-29.

Conditions:
Inborn genetic diseases. Identifiers: MedGen C0950123, MeSH D030342.
DDX41-related hematologic malignancy predisposition syndrome. Also called: Myeloproliferative/lymphoproliferative neoplasms, familial (multiple types), susceptibility to; DDX41-Associated Familial Myelodysplastic Syndrome and Acute Myeloid Leukemia. Identifiers: Orphanet 488647, MedGen C4225174, MONDO:0014809, OMIM 616871.

Allele frequency attached by ClinVar (database versions not stated): gnomAD exomes below 0.00001.

Submissions (2):

Ambry Genetics
Classification: Uncertain significance for Inborn genetic diseases. Last evaluated: 2024-12-29. Review status: criteria provided, single submitter. Criteria: Ambry Variant Classification Scheme 2023. Collection method: clinical testing. Allele origin: germline.
Comment: The p.E476D variant (also known as c.1428G>T), located in coding exon 14 of the DDX41 gene, results from a G to T substitution at nucleotide position 1428. The glutamic acid at codon 476 is replaced by aspartic acid, an amino acid with highly similar properties. This amino acid position is conserved. In addition, this alteration is predicted to be tolerated by in silico analysis. Based on the available evidence, the clinical significance of this variant remains unclear.

Baylor Genetics
Classification: Uncertain significance for DDX41-related hematologic malignancy predisposition syndrome. Last evaluated: 2023-10-16. Review status: criteria provided, single submitter. Criteria: ACMG Guidelines, 2015. Collection method: clinical testing. Allele origin: unknown.

NM_016222.4(DDX41):c.1428G>T (p.Glu476Asp)

Gene: DDX41 (DEAD-box helicase 41; minus strand). Cytogenetic location: 5q35.3.
Variant type: single nucleotide variant.
Coding change: c.1428G>T on transcript NM_016222.4 (MANE Select); coding-DNA position 1428, G replaced by T.
Protein change: p.Glu476Asp; replaces glutamic acid 476 with aspartic acid.
Molecular consequence: missense variant.
Genome position (GRCh38, 1-based): chr5:177,512,617, C>A on the plus strand (G>T on the coding strand, the complement: DDX41 is on the minus strand). VCF-style: chr5-177512617-C-A. GRCh37 (hg19) VCF-style: chr5-176939618-C-A.
Other names: c.1050G>T, p.Glu350Asp (NM_001321732.2, NM_001321830.2); c.1428G>T (NM_016222.2); short protein forms E350D, E476D.
Identifiers: ClinVar variation 2674766 (VCV002674766.2), dbSNP rs2532075852, ClinGen allele CA362372948.
Genomic context (GRCh38, chr5:177,512,617, plus strand): 5'-CAGGCCCTTGGAGGCAACGTCTGTGGCTACTAGGACATCCTTCTTGCCCTCCCGGAATGC[C>A]TCGATGGCCTTAGTCCGTTCCTCCTGGTCTGGGGAGGGTCAGGCAGACACTGTCAGAGCC-3'
Protein context (NP_057306.2, residues 466-486): KDQEERTKAI[Glu476Asp]AFREGKKDVL